The following is an entry in ClinVar:

ClinVar aggregate classification (germline): Pathogenic. Review status: reviewed by expert panel (3 of 4 stars). 12 submissions from 12 submitters: Pathogenic (1). 11 of the submissions do not count toward it. Last evaluated 2016-09-08.

Conditions:
Hereditary cancer-predisposing syndrome. Also called: Tumor predisposition; Neoplastic Syndromes, Hereditary; Hereditary Cancer Syndrome; Hereditary neoplastic syndrome. Identifiers: Orphanet 140162, MedGen C0027672, MeSH D009386, MONDO:0015356.
Hereditary breast ovarian cancer syndrome. Also called: Hereditary breast and ovarian cancer syndrome (HBOC); Hereditary breast and ovarian cancer syndrome; Hereditary breast and ovarian cancer; Hereditary breast and/or ovarian cancer syndrome; Breast and ovarian cancer; BRCA1- and BRCA2-Associated Hereditary Breast and Ovarian Cancer. Identifiers: Orphanet 145, MedGen C0677776, MeSH D061325, MONDO:0003582. Disease mechanism: loss of function.
Breast-ovarian cancer, familial, susceptibility to, 1 (BROVCA1). Also called: OVARIAN CANCER, SUSCEPTIBILITY TO; BRCA1 Hereditary Breast and Ovarian Cancer. Identifiers: Orphanet 145, MedGen C2676676, MONDO:0011450, OMIM 604370. Disease mechanism: loss of function.

Submissions (12):

Evidence-based Network for the Interpretation of Germline Mutant Alleles (ENIGMA)
Classification: Pathogenic for Breast-ovarian cancer, familial, susceptibility to, 1. Last evaluated: 2016-09-08. Review status: reviewed by expert panel. Criteria: ENIGMA BRCA1/2 Classification Criteria (2015). Collection method: curation. Allele origin: germline.
Comment: Variant allele predicted to encode a truncated non-functional protein.

Quest Diagnostics Nichols Institute San Juan Capistrano
Classification: Pathogenic. Last evaluated: 2025-05-19. Review status: criteria provided, single submitter. Criteria: Quest Diagnostics criteria. Collection method: clinical testing. Allele origin: unknown. Not counted in ClinVar's aggregate classification.
Comment: The BRCA1 c.1793T>A (p.Leu598*) variant causes the premature termination of BRCA1 protein synthesis. This variant has been reported in the published literature in individuals with ovarian cancer (PMIDs: 35883104 (2022), 25366421 (2015)) or with a family history of hereditary breast or ovarian cancer (PMID: 28324225 (2017)). This variant has not been reported in large, multi-ethnic general populations (Genome Aggregation Database). Based on the available information, this variant is classified as pathogenic.

Labcorp Genetics (formerly Invitae), Labcorp
Classification: Pathogenic for Hereditary breast ovarian cancer syndrome. Last evaluated: 2024-11-02. Review status: criteria provided, single submitter. Criteria: Invitae Variant Classification Sherloc (09022015). Collection method: clinical testing. Allele origin: germline. Not counted in ClinVar's aggregate classification.
Comment: This sequence change creates a premature translational stop signal (p.Leu598*) in the BRCA1 gene. It is expected to result in an absent or disrupted protein product. Loss-of-function variants in BRCA1 are known to be pathogenic (PMID: 20104584). This variant is not present in population databases (gnomAD no frequency). This premature translational stop signal has been observed in individual(s) with breast and/or ovarian cancer (PMID: 25366421, 29254167). ClinVar contains an entry for this variant (Variation ID: 54351). For these reasons, this variant has been classified as Pathogenic.

GeneDx
Classification: Pathogenic. Last evaluated: 2024-06-20. Review status: criteria provided, single submitter. Criteria: GeneDx Variant Classification Process June 2021. Collection method: clinical testing. Allele origin: germline. Affected: yes. Not counted in ClinVar's aggregate classification.
Comment: Nonsense variant predicted to result in protein truncation or nonsense mediated decay in a gene for which loss of function is a known mechanism of disease; Observed in individuals with a personal or family history consistent with pathogenic variants in this gene (PMID: 21709188, 25366421, 28324225); Not observed at significant frequency in large population cohorts (gnomAD); Truncating variants in this gene are considered pathogenic by a well-established clinical consortium and/or database; Also known as 1912T>A; This variant is associated with the following publications: (PMID: 35988656, 31528241, 21205087, 21709188, 25366421, 28324225, 20104584, 29446198, 29254167, 19047089)

Mayo Clinic Laboratories, Mayo Clinic
Classification: Pathogenic. Last evaluated: 2024-02-23. Review status: criteria provided, single submitter. Criteria: ACMG Guidelines, 2015. Collection method: clinical testing. Allele origin: germline. Observed: 1 variant allele. Not counted in ClinVar's aggregate classification.
Comment: PM2, PM5_strong, PVS1

Color Diagnostics, LLC DBA Color Health
Classification: Pathogenic for Hereditary cancer-predisposing syndrome. Last evaluated: 2023-07-12. Review status: criteria provided, single submitter. Criteria: ACMG Guidelines, 2015. Collection method: clinical testing. Allele origin: germline. Not counted in ClinVar's aggregate classification.
Comment: This variant changes 1 nucleotide in exon 10 of the BRCA1 gene, creating a premature translation stop signal. This variant is expected to result in an absent or non-functional protein product. This variant has been reported in two individuals affected with ovarian and/or endometrial cancer (PMID: 21709188, 25366421), a suspected hereditary breast and ovarian cancer (PMID: 28324225) and has been identified in 3 families among the CIMBA participants (PMID: 29446198). This variant has not been identified in the general population by the Genome Aggregation Database (gnomAD). Loss of BRCA1 function is a known mechanism of disease. Based on the available evidence, this variant is classified as Pathogenic.

Ambry Genetics
Classification: Pathogenic for Hereditary cancer-predisposing syndrome. Last evaluated: 2022-08-02. Review status: criteria provided, single submitter. Criteria: Ambry Variant Classification Scheme 2023. Collection method: clinical testing. Allele origin: germline. Not counted in ClinVar's aggregate classification.
Comment: The p.L598* pathogenic mutation (also known as c.1793T>A) located in coding exon 9 of the BRCA1 gene, results from a T to A substitution at nucleotide position 1793. This changes the amino acid from a leucine to a stop codon within coding exon 9. This mutation has been reported in multiple individuals with histories consistent with hereditary breast/ovarian cancer syndrome (Norquist B et al. J. Clin. Oncol. 2011 Aug; 29(22):3008-15; Ratajska M et al. J. Appl. Genet. 2015 May;56(2):193-8; Meisel C et al. Arch. Gynecol. Obstet. 2017 May;295(5):1227-1238). In addition to the clinical data presented in the literature, this alteration is expected to result in loss of function by premature protein truncation or nonsense-mediated mRNA decay. As such, this alteration is interpreted as a disease-causing mutation.

Sema4
Classification: Pathogenic for Hereditary cancer-predisposing syndrome. Last evaluated: 2022-02-10. Review status: criteria provided, single submitter. Criteria: Sema4 Curation Guidelines. Collection method: curation. Allele origin: germline. Not counted in ClinVar's aggregate classification.
Comment: The BRCA1 c.1793T>A (p.L598X) variant has been reported in heterozygosity in multiple individuals with breast or ovarian cancer (PMID: 29254167, 28324225, 21709188, 21709188, among others). This nonsense variant creates a premature stop codon at residue 598 of the BRCA1 protein. At this location, nonsense-mediated decay is predicted to occur, resulting in a loss of gene function. Loss of function variants in BRCA1 are known to be pathogenic (PMID: 29446198). This variant is not reported in the population database Genome Aggregation Database (PMID: 32461654) but has been reported in ClinVar (Variation ID: 54351). Based on the current evidence available, this variant is interpreted as pathogenic.

Institute of Human Genetics, University of Leipzig Medical Center
Classification: Pathogenic for Breast-ovarian cancer, familial, susceptibility to, 1. Last evaluated: 2021-12-02. Review status: criteria provided, single submitter. Criteria: ACMG Guidelines, 2015. Collection method: clinical testing. Allele origin: unknown. Affected: yes. Not counted in ClinVar's aggregate classification.
Comment: _x000D_ Criteria applied: PVS1, PS4_MOD, PM5, PM2_SUP

Consortium of Investigators of Modifiers of BRCA1/2 (CIMBA), c/o University of Cambridge
Classification: Pathogenic for Breast-ovarian cancer, familial, susceptibility to, 1. Last evaluated: 2015-10-02. Review status: criteria provided, single submitter. Criteria: CIMBA Mutation Classification guidelines May 2016. Collection method: clinical testing. Allele origin: germline. Not counted in ClinVar's aggregate classification.

Research Molecular Genetics Laboratory, Women's College Hospital, University of Toronto
Classification: Pathogenic for Hereditary breast ovarian cancer syndrome. Last evaluated: 2014-01-31. Review status: no assertion criteria provided. Collection method: research. Allele origin: germline. Affected: yes. Study: The Canadian Open Genetics Repository (COGR). Not counted in ClinVar's aggregate classification.

Breast Cancer Information Core (BIC) (BRCA1)
Classification: Pathogenic for Breast-ovarian cancer, familial 1. Last evaluated: 2004-02-20. Review status: no assertion criteria provided. Collection method: clinical testing. Allele origin: germline. Affected: yes. Observed: 4 variant alleles. Not counted in ClinVar's aggregate classification.

Literature cited by the submitters: PubMed 29254167 (cited by 3 submitters); PubMed 25366421 (cited by 5 submitters); PubMed 29446198 (cited by 4 submitters); PubMed 21709188 (cited by 5 submitters); PubMed 28324225 (cited by 4 submitters); PubMed 31528241 (cited by Quest Diagnostics Nichols Institute San Juan Capistrano and Mayo Clinic Laboratories, Mayo Clinic); PubMed 35883104 (cited by Quest Diagnostics Nichols Institute San Juan Capistrano); PubMed 20104584 (cited by Labcorp Genetics (formerly Invitae), Labcorp); PubMed 35988656 (cited by Mayo Clinic Laboratories, Mayo Clinic).

NM_007294.4(BRCA1):c.1793T>A (p.Leu598Ter)

Gene: BRCA1 (BRCA1 DNA repair associated; minus strand). Cytogenetic location: 17q21.31.
Variant type: single nucleotide variant.
Coding change: c.1793T>A on transcript NM_007294.4 (MANE Select); coding-DNA position 1793, T replaced by A.
Protein change: p.Leu598Ter; replaces leucine 598 with a stop codon.
Molecular consequence: nonsense. On other transcripts: intron variant (137).
Genome position (GRCh38, 1-based): chr17:43,093,738, A>T on the plus strand (T>A on the coding strand, the complement: BRCA1 is on the minus strand). VCF-style: chr17-43093738-A-T. GRCh37 (hg19) VCF-style: chr17-41245755-A-T.
Other names: p.Leu598*; c.1460T>A, p.Leu487Ter (NM_001407952.1, NM_001407953.1, NM_001407957.1 and 6 more transcripts); c.1457T>A, p.Leu486Ter (NM_001407954.1, NM_001407955.1, NM_001407956.1 and 1 more transcripts); c.1412T>A, p.Leu471Ter (NM_001407959.1, NM_001407960.1, NM_001407963.1); c.1409T>A, p.Leu470Ter (NM_001407962.1); c.1649T>A, p.Leu550Ter (NM_001407964.1, NM_001407740.1, NM_001407741.1 and 20 more transcripts); c.1289T>A, p.Leu430Ter (NM_001407965.1); c.905T>A, p.Leu302Ter (NM_001407966.1, NM_001407967.1); and 41 more; short protein forms L598*, L551*, L430*, L470*, L509*, L527*, L528*, L557*.
Identifiers: ClinVar variation 54351 (VCV000054351.25), dbSNP rs80357118, ClinGen allele CA001163.